The following is an entry in ClinVar:

NM_000090.4(COL3A1):c.2498A>T (p.Lys833Ile)

Gene: COL3A1 (collagen type III alpha 1 chain; plus strand). Cytogenetic location: 2q32.2.
Variant type: single nucleotide variant.
Coding change: c.2498A>T on transcript NM_000090.4 (MANE Select); coding-DNA position 2498, A replaced by T.
Protein change: p.Lys833Ile; replaces lysine 833 with isoleucine.
Molecular consequence: missense variant.
Genome position (GRCh38, 1-based): chr2:189,003,007, A>T. VCF-style: chr2-189003007-A-T. GRCh37 (hg19) VCF-style: chr2-189867733-A-T.
Other names: short protein forms K833I.
Identifiers: ClinVar variation 3071365 (VCV003071365.2), dbSNP rs371344739, ClinGen allele CA349842804.
Genomic context (GRCh38, chr2:189,003,007, plus strand): 5'-GCATGTAGGGACAGAATGGTGAACCTGGTGGTAAAGGAGAAAGAGGGGCTCCGGGTGAGA[A>T]AGGTGAAGGAGGCCCTCCTGGAGTTGCAGGACCCCCTGGAGGTTCTGGACCTGCTGTAAG-3'
Protein context (NP_000081.2, residues 823-843): GKGERGAPGE[Lys833Ile]GEGGPPGVAG

ClinVar aggregate classification (germline): Uncertain significance. Review status: criteria provided, multiple submitters, no conflicts (2 of 4 stars). 2 submissions from 2 submitters: Uncertain significance (2). Last evaluated 2025-02-11.

Conditions:
Ehlers-Danlos syndrome, type 4 (EDSVASC). Also called: Ehlers-Danlos Syndrome Type IV; Ehlers-Danlos syndrome vascular type; Ehlers Danlos syndrome, ecchymotic type; Ehlers Danlos syndrome, arterial type; Ehlers Danlos syndrome, Sack-Barabas type. Identifiers: Orphanet 286, MedGen C0268338, MONDO:0017314, OMIM 130050.

Submissions (2):

Labcorp Genetics (formerly Invitae), Labcorp
Classification: Uncertain significance for Ehlers-Danlos syndrome, type 4. Last evaluated: 2025-02-11. Review status: criteria provided, single submitter. Criteria: Invitae Variant Classification Sherloc (09022015). Collection method: clinical testing. Allele origin: germline.
Comment: This sequence change replaces lysine, which is basic and polar, with isoleucine, which is neutral and non-polar, at codon 833 of the COL3A1 protein (p.Lys833Ile). This variant is not present in population databases (gnomAD no frequency). This variant has not been reported in the literature in individuals affected with COL3A1-related conditions. ClinVar contains an entry for this variant (Variation ID: 3071365). Invitae Evidence Modeling of protein sequence and biophysical properties (such as structural, functional, and spatial information, amino acid conservation, physicochemical variation, residue mobility, and thermodynamic stability) indicates that this missense variant is not expected to disrupt COL3A1 protein function with a negative predictive value of 95%. In summary, the available evidence is currently insufficient to determine the role of this variant in disease. Therefore, it has been classified as a Variant of Uncertain Significance.

All of Us Research Program, National Institutes of Health
Classification: Uncertain significance for Ehlers-Danlos syndrome, type 4. Last evaluated: 2023-05-30. Review status: criteria provided, single submitter. Criteria: ACMG Guidelines, 2015. Collection method: clinical testing. Allele origin: germline. Inheritance: Autosomal dominant inheritance. Observed: 1 variant allele, 1 heterozygote.
Comment: This missense variant replaces lysine with isoleucine at codon 833 of the COL3A1 protein. Computational prediction is inconclusive regarding the impact of this variant on protein structure and function (internally defined REVEL score threshold 0.5 < inconclusive < 0.7, PMID: 27666373). To our knowledge, functional studies have not been reported for this variant. This variant has not been reported in individuals affected with COL3A1-related disorders in the literature. This variant has not been identified in the general population by the Genome Aggregation Database (gnomAD). The available evidence is insufficient to determine the role of this variant in disease conclusively. Therefore, this variant is classified as a Variant of Uncertain Significance.

This study involves interpretation of variants in research participants for the purpose of population health screening. Participant phenotype was not available at the time of variant classification. Additional details can be found in publication PMID: 35346344, PMCID: PMC8962531